The following is an entry in ClinVar:

NM_030771.2(CCDC34):c.615_619delAGAAA

Gene: CCDC34 (coiled-coil domain containing 34; minus strand). Cytogenetic location: 11p14.1.
Variant type: Microsatellite.
Coding change: c.615_619delAGAAA on transcript NM_030771.2 (MANE Select); coding-DNA positions 615 to 619, 5 bases deleted (AGAAA).
Molecular consequence: splice acceptor variant.
Genome position (GRCh38, 1-based): chr11:27,341,538-27,341,542, TTTCT deleted on the plus strand (AGAAA on the coding strand, the reverse complement: CCDC34 is on the minus strand); deleting any 5 consecutive bases within chr11:27,341,538-27,341,553 gives the same sequence; the c. name uses the placement nearest the transcript's 3' end. VCF-style (leftmost placement, unchanged base first): chr11-27341537-CTTTCT-C. GRCh37 (hg19) VCF-style: chr11-27363084-CTTTCT-C.
Identifiers: ClinVar variation 4849401 (VCV004849401.1).

ClinVar aggregate classification (germline): Likely pathogenic (1 of 4 stars; one submission).

Conditions:
Spermatogenic failure 76 (SPGF76). Identifiers: MedGen C5774236, MONDO:0031077, OMIM 620084.

Submission:

First Genomix Gene Laboratory, Genetic Diagnostics Department
Classification: Likely pathogenic for Spermatogenic failure 76. Last evaluated: 2025-06-17. Review status: criteria provided, single submitter. Criteria: ACMG Guidelines, 2015. Collection method: clinical testing. Allele origin: germline. Inheritance: Autosomal recessive inheritance. Affected: no. Observed: 1 variant allele.